The following is an entry in ClinVar:

NM_015378.4(VPS13D):c.12492T>C (p.Val4164=)

Gene: VPS13D (vacuolar protein sorting 13 homolog D; plus strand). Cytogenetic location: 1p36.22.
Variant type: single nucleotide variant.
Coding change: c.12492T>C on transcript NM_015378.4 (MANE Select); coding-DNA position 12492, T replaced by C.
Protein change: p.Val4164=; no amino-acid change (valine 4164 retained).
Molecular consequence: synonymous variant.
Genome position (GRCh38, 1-based): chr1:12,460,226, T>C. VCF-style: chr1-12460226-T-C. GRCh37 (hg19) VCF-style: chr1-12520281-T-C.
Other names: c.12417T>C, p.Val4139= (NM_018156.4).
Identifiers: ClinVar variation 3239491 (VCV003239491.21), dbSNP rs1228065542.

ClinVar aggregate classification (germline): Likely benign. Review status: criteria provided, multiple submitters, no conflicts (2 of 4 stars). 2 submissions from 2 submitters: Likely benign (2). Last evaluated 2024-12-18.

Allele frequency attached by ClinVar (database versions not stated): gnomAD exomes below 0.00001.
gnomAD v4.1: 4 of 1,608,482 alleles (0.00025%); highest among the groups gnomAD compares: Non-Finnish European, 0.00034%; no homozygotes.

Submissions (2):

Labcorp Genetics (formerly Invitae), Labcorp
Classification: Likely benign. Last evaluated: 2024-12-18. Review status: criteria provided, single submitter. Criteria: Invitae Variant Classification Sherloc (09022015). Collection method: clinical testing. Allele origin: germline.

CeGaT Center for Human Genetics Tuebingen
Classification: Likely benign. Last evaluated: 2024-05-01. Review status: criteria provided, single submitter. Criteria: CeGaT Center For Human Genetics Tuebingen Variant Classification Criteria Version 2. Collection method: clinical testing. Allele origin: germline. Affected: yes. Observed: 1 variant allele.
Comment: VPS13D: PM2:Supporting, BP4, BP7